The following is an entry in ClinVar:

NM_000038.6(APC):c.3981dup (p.Gln1328fs)

Gene: APC (APC regulator of Wnt signaling pathway; plus strand). Cytogenetic location: 5q22.2.
Variant type: Duplication.
Coding change: c.3981dup on transcript NM_000038.6 (MANE Select); coding-DNA position 3981, one base duplicated (A; older notation c.3981dupA).
Protein change: p.Gln1328fs; shifts the reading frame from glutamine 1328.
Molecular consequence: frameshift variant.
Genome position (GRCh38, 1-based): chr5:112,839,575, A duplicated. VCF-style (leftmost placement, unchanged base first): chr5-112839574-C-CA. GRCh37 (hg19) VCF-style: chr5-112175271-C-CA.
Other names: c.3981dup, p.Gln1328fs (NM_001127510.3, NM_001354895.2); c.3927dup, p.Gln1310fs (NM_001127511.3); c.4035dup, p.Gln1346fs (NM_001354896.2); c.4011dup, p.Gln1338fs (NM_001354897.2); c.3906dup, p.Gln1303fs (NM_001354898.2); c.3897dup, p.Gln1300fs (NM_001354899.2); c.3858dup, p.Gln1287fs (NM_001354900.2); c.3804dup, p.Gln1269fs (NM_001354901.2); and 16 more; short protein forms Q1202fs, Q1287fs, Q1310fs, Q1328fs, Q1338fs, Q1045fs, Q1227fs, Q1237fs.
Identifiers: ClinVar variation 1736706 (VCV001736706.6), dbSNP rs2533539369, ClinGen allele CA2580072350.
Genomic context (GRCh38, chr5:112,839,574, plus strand): 5'-TAAAAGAAAAGATTGGAACTAGGTCAGCTGAAGATCCTGTGAGCGAAGTTCCAGCAGTGT[C>CA]ACAGCACCCTAGAACCAAATCCAGCAGACTGCAGGGTTCTAGTTTATCTTCAGAATCAGC-3'

ClinVar aggregate classification (germline): Pathogenic. Review status: criteria provided, multiple submitters, no conflicts (2 of 4 stars). 3 submissions from 3 submitters: Pathogenic (3). Last evaluated 2025-01-22.

Conditions:
Hereditary cancer-predisposing syndrome. Also called: Neoplastic Syndromes, Hereditary; Tumor predisposition; Hereditary Cancer Syndrome; Hereditary neoplastic syndrome. Identifiers: Orphanet 140162, MedGen C0027672, MeSH D009386, MONDO:0015356.
Familial adenomatous polyposis 1 (FAP1). Also called: FAMILIAL ADENOMATOUS POLYPOSIS 1, ATTENUATED; POLYPOSIS, ADENOMATOUS INTESTINAL. Identifiers: MedGen C2713442, MONDO:0021056, OMIM 175100. Disease mechanism: loss of function.

Submissions (3):

Labcorp Genetics (formerly Invitae), Labcorp
Classification: Pathogenic for Familial adenomatous polyposis 1. Last evaluated: 2025-01-22. Review status: criteria provided, single submitter. Criteria: Invitae Variant Classification Sherloc (09022015). Collection method: clinical testing. Allele origin: germline.
Comment: This sequence change creates a premature translational stop signal (p.Gln1328Thrfs*4) in the APC gene. While this is not anticipated to result in nonsense mediated decay, it is expected to disrupt the last 1516 amino acid(s) of the APC protein. This variant is not present in population databases (gnomAD no frequency). This variant has not been reported in the literature in individuals affected with APC-related conditions. ClinVar contains an entry for this variant (Variation ID: 1736706). This variant is expected to disrupt the EB1 and HDLG binding sites, which mediate interactions with the cytoskeleton (PMID: 15311282, 17293347). While functional studies have not been performed to directly test the effect on APC protein function, this suggests that disruption of the C-terminal portion of the protein is functionally important. A different truncation (p.Tyr2645Lysfs*14) that lies downstream of this variant has been determined to be pathogenic (PMID: 9824584, 1316610, 27081525, 8381579, 22135120, internal data). This suggests that deletion of this region of the APC protein is causative of disease. For these reasons, this variant has been classified as Pathogenic.

Myriad Genetics, Inc.
Classification: Pathogenic for Familial adenomatous polyposis 1. Last evaluated: 2023-05-10. Review status: criteria provided, single submitter. Criteria: Myriad Autosomal Dominant, Autosomal Recessive and X-Linked Classification Criteria (2023). Collection method: clinical testing. Allele origin: unknown.
Comment: This variant is considered pathogenic. This variant creates a frameshift predicted to result in premature protein truncation.

Ambry Genetics
Classification: Pathogenic for Hereditary cancer-predisposing syndrome. Last evaluated: 2018-01-22. Review status: criteria provided, single submitter. Criteria: Ambry Variant Classification Scheme 2023. Collection method: clinical testing. Allele origin: germline.
Comment: The c.3981dupA pathogenic mutation, located in coding exon 15 of the APC gene, results from a duplication of A at nucleotide position 3981, causing a translational frameshift with a predicted alternate stop codon (p.Q1328Tfs*4). This alteration is expected to result in loss of function by premature protein truncation. As such, this alteration is interpreted as a disease-causing mutation.

Literature cited by the submitters: PubMed 15311282 (cited by Labcorp Genetics (formerly Invitae), Labcorp); PubMed 17293347 (cited by Labcorp Genetics (formerly Invitae), Labcorp); PubMed 9824584 (cited by Labcorp Genetics (formerly Invitae), Labcorp); PubMed 1316610 (cited by Labcorp Genetics (formerly Invitae), Labcorp); PubMed 27081525 (cited by Labcorp Genetics (formerly Invitae), Labcorp); PubMed 8381579 (cited by Labcorp Genetics (formerly Invitae), Labcorp); PubMed 22135120 (cited by Labcorp Genetics (formerly Invitae), Labcorp).